The following is an entry in ClinVar:

NM_003803.4(MYOM1):c.3580A>G (p.Lys1194Glu)

Gene: MYOM1 (myomesin 1; minus strand). Cytogenetic location: 18p11.31.
Variant type: single nucleotide variant.
Coding change: c.3580A>G on transcript NM_003803.4 (MANE Select); coding-DNA position 3580, A replaced by G.
Protein change: p.Lys1194Glu; replaces lysine 1194 with glutamic acid.
Molecular consequence: missense variant.
Genome position (GRCh38, 1-based): chr18:3,100,422, T>C on the plus strand (A>G on the coding strand, the complement: MYOM1 is on the minus strand). VCF-style: chr18-3100422-T-C. GRCh37 (hg19) VCF-style: chr18-3100420-T-C.
Other names: c.3292A>G, p.Lys1098Glu (NM_019856.2); short protein forms K1098E, K1194E.
Identifiers: ClinVar variation 1505763 (VCV001505763.6), dbSNP rs2143753722, ClinGen allele CA401702587.
Genomic context (GRCh38, chr18:3,100,422, plus strand): 5'-CTGTTACATCGCAAGAGTAAATACCCAAGTCATCCATCCCAAGGTCTTTGAAGGTCATTT[T>C]CGTCCTTCGGAACAAAATATTTTTCTTAGAAATGAGGCTGTGTGGGATCTGTGGGCCTGT-3'
Protein context (NP_003794.3, residues 1184-1204): LEVESKGNKT[Lys1194Glu]MTFKDLGMDD

ClinVar aggregate classification (germline): Uncertain significance (1 of 4 stars; one submission).

Conditions:
Hypertrophic cardiomyopathy. Also called: HYPERTROPHIC MYOCARDIOPATHY. Identifiers: Orphanet 217569, MedGen C0007194, MeSH D002312, MONDO:0005045, HP:0001639.

Submission:

Labcorp Genetics (formerly Invitae), Labcorp
Classification: Uncertain significance for Hypertrophic cardiomyopathy. Last evaluated: 2023-04-05. Review status: criteria provided, single submitter. Criteria: Invitae Variant Classification Sherloc (09022015). Collection method: clinical testing. Allele origin: germline.
Comment: Advanced modeling of protein sequence and biophysical properties (such as structural, functional, and spatial information, amino acid conservation, physicochemical variation, residue mobility, and thermodynamic stability) performed at Invitae indicates that this missense variant is not expected to disrupt MYOM1 protein function. In summary, the available evidence is currently insufficient to determine the role of this variant in disease. Therefore, it has been classified as a Variant of Uncertain Significance. ClinVar contains an entry for this variant (Variation ID: 1505763). This variant has not been reported in the literature in individuals affected with MYOM1-related conditions. This variant is not present in population databases (gnomAD no frequency). This sequence change replaces lysine, which is basic and polar, with glutamic acid, which is acidic and polar, at codon 1194 of the MYOM1 protein (p.Lys1194Glu).